The following is an entry in ClinVar:

ClinVar aggregate classification (germline): Conflicting classifications of pathogenicity. Review status: criteria provided, conflicting classifications (1 of 4 stars). 2 submissions from 2 submitters: Uncertain significance (1); Likely benign (1). Last evaluated 2026-04-07.

Conditions:
Hereditary cancer-predisposing syndrome. Also called: Tumor predisposition; Hereditary Cancer Syndrome; Hereditary neoplastic syndrome; Neoplastic Syndromes, Hereditary. Identifiers: Orphanet 140162, MedGen C0027672, MeSH D009386, MONDO:0015356.
Parathyroid carcinoma (PRTC). Also called: Parathyroid gland carcinoma; CDC73-Related Parathyroid Carcinoma. Identifiers: Orphanet 143, MedGen C0687150, MONDO:0012004, OMIM 608266, HP:0006780.

Allele frequency attached by ClinVar (database versions not stated): gnomAD exomes 0.00001.

Submissions (2):

Ambry Genetics
Classification: Uncertain significance for Hereditary cancer-predisposing syndrome. Last evaluated: 2026-04-07. Review status: criteria provided, single submitter. Criteria: Ambry Variant Classification Scheme 2023. Collection method: clinical testing. Allele origin: germline.
Comment: The c.1030+4G>T intronic variant results from a G to T substitution 4 nucleotides after coding exon 11 in the CDC73 gene. This nucleotide position is not well conserved in available vertebrate species. In silico splice site analysis predicts that this alteration will not have any significant effect on splicing. Based on the available evidence, the clinical significance of this variant remains unclear.

Labcorp Genetics (formerly Invitae), Labcorp
Classification: Likely benign for Parathyroid carcinoma. Last evaluated: 2022-05-31. Review status: criteria provided, single submitter. Criteria: Invitae Variant Classification Sherloc (09022015). Collection method: clinical testing. Allele origin: germline.

NM_024529.5(CDC73):c.1030+4G>T

Gene: CDC73 (cell division cycle 73; plus strand). Cytogenetic location: 1q31.2.
Variant type: single nucleotide variant.
Coding change: c.1030+4G>T on transcript NM_024529.5 (MANE Select); 4 bases into the intron after coding-DNA position 1030, G replaced by T.
Molecular consequence: intron variant.
Genome position (GRCh38, 1-based): chr1:193,203,856, G>T. VCF-style: chr1-193203856-G-T. GRCh37 (hg19) VCF-style: chr1-193172986-G-T.
Other names: c.1030+4G>T (NM_024529.4).
Identifiers: ClinVar variation 2158658 (VCV002158658.5), dbSNP rs1334391662, ClinGen allele CA528011316.